The following is an entry in ClinVar:

ClinVar aggregate classification (germline): Pathogenic (1 of 4 stars; one submission).

Conditions:
Arrhythmogenic right ventricular dysplasia 10. Also called: Arrhythmogenic Right Ventricular Dysplasia/Cardiomyopathy10; ARRHYTHMOGENIC RIGHT VENTRICULAR DYSPLASIA, FAMILIAL, 10; Arrhythmogenic right ventricular dysplasia/cardiomyopathy, type 10. Identifiers: MedGen C1857777, MONDO:0012434, OMIM 610193.

Submission:

Labcorp Genetics (formerly Invitae), Labcorp
Classification: Pathogenic for Arrhythmogenic right ventricular dysplasia 10. Last evaluated: 2024-05-08. Review status: criteria provided, single submitter. Criteria: Invitae Variant Classification Sherloc (09022015). Collection method: clinical testing. Allele origin: germline.
Comment: This sequence change creates a premature translational stop signal (p.Glu879Argfs*24) in the DSG2 gene. While this is not anticipated to result in nonsense mediated decay, it is expected to disrupt the last 240 amino acid(s) of the DSG2 protein. This variant is not present in population databases (gnomAD no frequency). This variant has not been reported in the literature in individuals affected with DSG2-related conditions. This variant disrupts a region of the DSG2 protein in which other variant(s) (p.Glu1020Alafs*18) have been determined to be pathogenic (PMID: 20864495, 21397041, 23381804). This suggests that this is a clinically significant region of the protein, and that variants that disrupt it are likely to be disease-causing. For these reasons, this variant has been classified as Pathogenic.

Literature cited by the submitters: PubMed 20864495; PubMed 21397041; PubMed 23381804.

NM_001943.5(DSG2):c.2634del (p.Glu879fs)

Genes: DSG2 (desmoglein 2; plus strand), DSG2-AS1 (DSG2 antisense RNA 1; minus strand). Cytogenetic location: 18q12.1.
Variant type: Deletion.
Coding change: c.2634del on transcript NM_001943.5 (MANE Select); coding-DNA position 2634, one base deleted (A; older notation c.2634delA).
Protein change: p.Glu879fs; shifts the reading frame from glutamic acid 879.
Molecular consequence: frameshift variant.
Genome position (GRCh38, 1-based): chr18:31,546,020, A deleted. VCF-style (leftmost placement, unchanged base first): chr18-31546019-CA-C. GRCh37 (hg19) VCF-style: chr18-29125982-CA-C.
Other names: short protein forms E879fs.
Identifiers: ClinVar variation 3651787 (VCV003651787.2).
Genomic context (GRCh38, chr18:31,546,019, plus strand): 5'-CCACAGAAACAAGTATGAACACAGCTTCACATTCACTCTGTGAGCAAACTATGGTTAATT[CA>C]GAGAATACCTACTCCTCTGGCAGTAGCTTCCCAGTTCCAAAATCTTTGCAAGAAGCCAAT-3'